The following is an entry in ClinVar:

NM_015999.6(ADIPOR1):c.1000-3C>T

Gene: ADIPOR1 (adiponectin receptor 1; minus strand). Cytogenetic location: 1q32.1.
Variant type: single nucleotide variant.
Coding change: c.1000-3C>T on transcript NM_015999.6 (MANE Select); 3 bases into the intron before coding-DNA position 1000, C replaced by T.
Molecular consequence: intron variant.
Genome position (GRCh38, 1-based): chr1:202,941,704, G>A on the plus strand (C>T on the coding strand, the complement: ADIPOR1 is on the minus strand). VCF-style: chr1-202941704-G-A. GRCh37 (hg19) VCF-style: chr1-202910832-G-A.
Other names: c.1000-3C>T (NM_001290629.1, NM_001290557.1, NM_001290553.2).
Identifiers: ClinVar variation 4712343 (VCV004712343.1).
Genomic context (GRCh38, chr1:202,941,704, plus strand): 5'-AGAAGTGGACAAAGGCTGCTGCCACCACCAGGACATGGAAAATCTGATGAGACTGGAACT[G>A]TAGGAATAAAAAGAAAAGAGCCTTTAGGATAATGCAAGGAGGAATAAGAAACAAGTAGGA-3'

ClinVar aggregate classification (germline): Uncertain significance (1 of 4 stars; one submission).

gnomAD v4.1: 3 of 1,607,876 alleles (0.00019%); highest among the groups gnomAD compares: Non-Finnish European, 0.00025%; no homozygotes.

Submission:

Labcorp Genetics (formerly Invitae), Labcorp
Classification: Uncertain significance. Last evaluated: 2025-02-04. Review status: criteria provided, single submitter. Criteria: Invitae Variant Classification Sherloc (09022015). Collection method: clinical testing. Allele origin: germline.
Comment: This sequence change falls in intron 7 of the ADIPOR1 gene. It does not directly change the encoded amino acid sequence of the ADIPOR1 protein. It affects a nucleotide within the consensus splice site. This variant is not present in population databases (gnomAD no frequency). This variant has not been reported in the literature in individuals affected with ADIPOR1-related conditions. Variants that disrupt the consensus splice site are a relatively common cause of aberrant splicing (PMID: 17576681, 9536098). Algorithms developed to predict the effect of sequence changes on RNA splicing suggest that this variant is not likely to affect RNA splicing. In summary, the available evidence is currently insufficient to determine the role of this variant in disease. Therefore, it has been classified as a Variant of Uncertain Significance.

Literature cited by the submitters: PubMed 17576681; PubMed 9536098.